The following is an entry in ClinVar:

NM_001033855.3(DCLRE1C):c.994C>T (p.Leu332Phe)

Gene: DCLRE1C (DNA cross-link repair 1C; minus strand). Cytogenetic location: 10p13.
Variant type: single nucleotide variant.
Coding change: c.994C>T on transcript NM_001033855.3 (MANE Select); coding-DNA position 994, C replaced by T.
Protein change: p.Leu332Phe; replaces leucine 332 with phenylalanine.
Molecular consequence: missense variant. On other transcripts: non-coding transcript variant (4).
Genome position (GRCh38, 1-based): chr10:14,923,048, G>A on the plus strand (C>T on the coding strand, the complement: DCLRE1C is on the minus strand). VCF-style: chr10-14923048-G-A. GRCh37 (hg19) VCF-style: chr10-14965047-G-A.
Other names: c.634C>T, p.Leu212Phe (NM_001033857.3, NM_001033858.3, NM_001289077.2 and 2 more transcripts); c.649C>T, p.Leu217Phe (NM_001289076.2, NM_001289078.2, NM_001350966.2 and 1 more transcripts); c.994C>T, p.Leu332Phe (NM_001350965.2); short protein forms L332F, L212F, L217F.
Identifiers: ClinVar variation 1366320 (VCV001366320.5), dbSNP rs1837374235, ClinGen allele CA376055605.

ClinVar aggregate classification (germline): Uncertain significance (1 of 4 stars; one submission).

Conditions:
Severe combined immunodeficiency due to DCLRE1C deficiency (RS-SCID). Also called: SCID, AUTOSOMAL RECESSIVE, T CELL-NEGATIVE, B CELL-NEGATIVE, NK CELL-POSITIVE, WITH SENSITIVITY TO IONIZING RADIATION. Identifiers: Orphanet 275, MedGen C1865371, MONDO:0011225, OMIM 602450.

gnomAD v4.1: 3 of 1,613,934 alleles (0.00019%); highest among the groups gnomAD compares: Non-Finnish European, 0.00025%; no homozygotes.

Submission:

Labcorp Genetics (formerly Invitae), Labcorp
Classification: Uncertain significance for Athabaskan severe combined immunodeficiency. Last evaluated: 2021-08-31. Review status: criteria provided, single submitter. Criteria: Invitae Variant Classification Sherloc (09022015). Collection method: clinical testing. Allele origin: germline.
Comment: This sequence change replaces leucine with phenylalanine at codon 332 of the DCLRE1C protein (p.Leu332Phe). The leucine residue is weakly conserved and there is a small physicochemical difference between leucine and phenylalanine. This variant is not present in population databases (ExAC no frequency). This variant has not been reported in the literature in individuals affected with DCLRE1C-related conditions. Algorithms developed to predict the effect of missense changes on protein structure and function are either unavailable or do not agree on the potential impact of this missense change (SIFT: "Deleterious"; PolyPhen-2: "Possibly Damaging"; Align-GVGD: "Class C0"). In summary, the available evidence is currently insufficient to determine the role of this variant in disease. Therefore, it has been classified as a Variant of Uncertain Significance.